The following is an entry in ClinVar:

NM_024884.3(L2HGDH):c.738+5A>C

Gene: L2HGDH (L-2-hydroxyglutarate dehydrogenase; minus strand). Cytogenetic location: 14q21.3.
Variant type: single nucleotide variant.
Coding change: c.738+5A>C on transcript NM_024884.3 (MANE Select); 5 bases into the intron after coding-DNA position 738, A replaced by C.
Molecular consequence: intron variant.
Genome position (GRCh38, 1-based): chr14:50,278,515, T>G on the plus strand (A>C on the coding strand, the complement: L2HGDH is on the minus strand). VCF-style: chr14-50278515-T-G. GRCh37 (hg19) VCF-style: chr14-50745233-T-G.
Identifiers: ClinVar variation 1336156 (VCV001336156.7), dbSNP rs749417245, ClinGen allele CA7177915.

ClinVar aggregate classification (germline): Uncertain significance. Review status: criteria provided, multiple submitters, no conflicts (2 of 4 stars). 2 submissions from 2 submitters: Uncertain significance (2). Last evaluated 2022-03-18.

Conditions:
L-2-hydroxyglutaric aciduria (L2HGA). Identifiers: Orphanet 79314, MedGen C1855995, MONDO:0009370, OMIM 236792, HP:0040144.

Allele frequency attached by ClinVar (database versions not stated): gnomAD exomes 0.00001; ExAC 0.00003; gnomAD 0.00003 and 0.00004; TOPMed 0.00003.
gnomAD v4.1: 66 of 1,488,466 alleles (0.0044%); highest among the groups gnomAD compares: Non-Finnish European, 0.0061%; no homozygotes.

Submissions (2):

Labcorp Genetics (formerly Invitae), Labcorp
Classification: Uncertain significance for L-2-hydroxyglutaric aciduria. Last evaluated: 2022-03-18. Review status: criteria provided, single submitter. Criteria: Invitae Variant Classification Sherloc (09022015). Collection method: clinical testing. Allele origin: germline.
Comment: In summary, the available evidence is currently insufficient to determine the role of this variant in disease. Therefore, it has been classified as a Variant of Uncertain Significance. Variants that disrupt the consensus splice site are a relatively common cause of aberrant splicing (PMID: 17576681, 9536098). Algorithms developed to predict the effect of sequence changes on RNA splicing suggest that this variant is not likely to affect RNA splicing. This variant has not been reported in the literature in individuals affected with L2HGDH-related conditions. This variant is present in population databases (rs749417245, gnomAD 0.002%). This sequence change falls in intron 6 of the L2HGDH gene. It does not directly change the encoded amino acid sequence of the L2HGDH protein. It affects a nucleotide within the consensus splice site.

Genetic Services Laboratory, University of Chicago
Classification: Uncertain significance. Last evaluated: 2017-08-02. Review status: criteria provided, single submitter. Criteria: ACMG Guidelines, 2015. Collection method: clinical testing. Allele origin: germline. Affected: no.

Literature cited by the submitters: PubMed 17576681 (cited by Labcorp Genetics (formerly Invitae), Labcorp); PubMed 9536098 (cited by Labcorp Genetics (formerly Invitae), Labcorp).